The following is an entry in ClinVar:

ClinVar aggregate classification (germline): Conflicting classifications of pathogenicity. Review status: criteria provided, conflicting classifications (1 of 4 stars). 2 submissions from 2 submitters: Likely pathogenic (1); Uncertain significance (1). Last evaluated 2025-11-17.

Conditions:
Familial cold autoinflammatory syndrome 2 (FCAS2). Identifiers: Orphanet 247868, MedGen C2673198, MONDO:0012724, OMIM 611762.

Submissions (2):

Victorian Clinical Genetics Services, Murdoch Childrens Research Institute
Classification: Uncertain significance for Familial cold autoinflammatory syndrome 2. Last evaluated: 2025-11-17. Review status: criteria provided, single submitter. Criteria: ACMG Guidelines, 2015. Collection method: clinical testing. Allele origin: germline.
Comment: This variant is classified as VUS-3A. Evidence in support of pathogenic classification: Variant is predicted to cause nonsense-mediated decay (NMD) and loss of protein (premature termination codon is located at least 54 nucleotides upstream of the final exon-exon junction); Variant is present in gnomAD <0.001 for a dominant condition (v4: 3 heterozygote(s), 0 homozygote(s)). Additional information: This variant is heterozygous; This gene is associated with autosomal dominant disease; Alternative changes predicted to result in NMD are present in gnomAD (highest allele count: v4: 495 heterozygote(s), 0 homozygote(s); This variant has no previous evidence of pathogenicity; No published evidence of segregation with disease has been identified for this variant; No published functional evidence has been identified for this variant; Other NMD-predicted variant(s) comparable to the one identified in this case have inconclusive previous evidence for pathogenicity. Other NMD-predicted variants have been classified as likely pathogenic/pathogenic by clinical laboratories in ClinVar; however, these classifications are outnumbered by VUS and few benign/likely benign classifications. Loss of function variants in this gene have been reported in the literature in individuals with NLRP12-related features (PMID: 40556386); The mechanism of disease for this gene is not clearly established. However, loss of function and gain of function have been suggested (PMIDs: 18230725, 37396539, 21360512, 21538323); The condition associated with this gene has incomplete penetrance (PMID: 40556386); Variants in this gene are known to have variable expressivity. Intra- and extra-familial variable expressivity has been reported (PMID: 40556386); Inheritance information for this variant is not currently available in this individual.

Genetics and Molecular Pathology, SA Pathology
Classification: Likely pathogenic for Familial cold autoinflammatory syndrome 2. Last evaluated: 2023-03-02. Review status: criteria provided, single submitter. Criteria: ACMG Guidelines, 2015. Collection method: clinical testing. Allele origin: germline. Inheritance: Autosomal dominant inheritance. Affected: yes.
Comment: The NLRP12 c.2056_2057dup variant is classified as Likely Pathogenic (PVS1, PM2) This NLRP12 c.2056_2057dup variant is located in exon 3/10 and is predicted to cause a shift in the reading frame at codon 687 and the introduction of a premature termination codon 30 amino acids downstream (PVS1). This variant is absent from population databases (PM2). This variant has not been reported in dbSNP, ClinVar, HGMD or the scientific literature to date.

Literature cited by the submitters: PubMed 21360512 (cited by Victorian Clinical Genetics Services, Murdoch Childrens Research Institute); PubMed 18230725 (cited by Victorian Clinical Genetics Services, Murdoch Childrens Research Institute); PubMed 40556386 (cited by Victorian Clinical Genetics Services, Murdoch Childrens Research Institute); PubMed 21538323 (cited by Victorian Clinical Genetics Services, Murdoch Childrens Research Institute); PubMed 37396539 (cited by Victorian Clinical Genetics Services, Murdoch Childrens Research Institute).

NM_144687.4(NLRP12):c.2056_2057dup (p.Leu687fs)

Gene: NLRP12 (NLR family pyrin domain containing 12; minus strand). Cytogenetic location: 19q13.42.
Variant type: Microsatellite.
Coding change: c.2056_2057dup on transcript NM_144687.4 (MANE Select); coding-DNA positions 2056 to 2057, 2 bases duplicated (AC; older notation c.2056_2057dupAC).
Protein change: p.Leu687fs; shifts the reading frame from leucine 687.
Molecular consequence: frameshift variant.
Genome position (GRCh38, 1-based): chr19:53,809,602-53,809,603, GT duplicated on the plus strand (AC on the coding strand, the reverse complement: NLRP12 is on the minus strand); duplicating any 2 consecutive bases within chr19:53,809,602-53,809,606 gives the same sequence; the c. name uses the placement nearest the transcript's 3' end. VCF-style (leftmost placement, unchanged base first): chr19-53809601-C-CGT. GRCh37 (hg19) VCF-style: chr19-54312855-C-CGT.
Other names: c.2056_2057dupAC (NM_144687.4); c.2056_2057dup, p.Leu687fs (NM_001277126.2, NM_001277129.1); short protein forms L687fs.
Identifiers: ClinVar variation 2664690 (VCV002664690.2), dbSNP rs1327772058, ClinGen allele CA2573334525.